The following is an entry in ClinVar:

NM_001040108.2(MLH3):c.2459C>T (p.Pro820Leu)

Gene: MLH3 (mutL homolog 3; minus strand). Cytogenetic location: 14q24.3.
Variant type: single nucleotide variant.
Coding change: c.2459C>T on transcript NM_001040108.2 (MANE Select); coding-DNA position 2459, C replaced by T.
Protein change: p.Pro820Leu; replaces proline 820 with leucine.
Molecular consequence: missense variant.
Genome position (GRCh38, 1-based): chr14:75,047,197, G>A on the plus strand (C>T on the coding strand, the complement: MLH3 is on the minus strand). VCF-style: chr14-75047197-G-A. GRCh37 (hg19) VCF-style: chr14-75513900-G-A.
Other names: c.2459C>T, p.Pro820Leu (NM_014381.3); short protein forms P820L.
Identifiers: ClinVar variation 1791589 (VCV001791589.2), dbSNP rs2503269723, ClinGen allele CA390440363.

ClinVar aggregate classification (germline): Uncertain significance (1 of 4 stars; one submission).

gnomAD v4.1: 1 of 1,614,048 alleles (0.000062%); highest among the groups gnomAD compares: South Asian, 0.0011%; no homozygotes.

Submission:

Ambry Genetics
Classification: Uncertain significance. Last evaluated: 2022-08-28. Review status: criteria provided, single submitter. Criteria: Ambry Variant Classification Scheme 2023. Collection method: clinical testing. Allele origin: germline.
Comment: The p.P820L variant (also known as c.2459C>T), located in coding exon 1 of the MLH3 gene, results from a C to T substitution at nucleotide position 2459. The proline at codon 820 is replaced by leucine, an amino acid with similar properties. This amino acid position is conserved. In addition, the in silico prediction for this alteration is inconclusive. Since supporting evidence is limited at this time, the clinical significance of this alteration remains unclear.